The following is an entry in ClinVar:

ClinVar aggregate classification (germline): Uncertain significance (1 of 4 stars; one submission).

Conditions:
Hypertrophic cardiomyopathy. Also called: HYPERTROPHIC MYOCARDIOPATHY. Identifiers: Orphanet 217569, MedGen C0007194, MeSH D002312, MONDO:0005045, HP:0001639.

Submission:

All of Us Research Program, National Institutes of Health
Classification: Uncertain significance for Hypertrophic cardiomyopathy. Last evaluated: 2023-02-24. Review status: criteria provided, single submitter. Criteria: ACMG Guidelines, 2015. Collection method: clinical testing. Allele origin: germline. Inheritance: Autosomal dominant inheritance. Observed: 1 variant allele, 1 heterozygote.
Comment: This missense variant replaces lysine with asparagine at codon 23 of the PRKAG2 protein. Computational prediction suggests that this variant may not impact protein structure and function (internally defined REVEL score threshold <= 0.5, PMID: 27666373). To our knowledge, functional studies have not been reported for this variant. This variant has not been reported in individuals affected with PRKAG2-related disorders in the literature. This variant has not been identified in the general population by the Genome Aggregation Database (gnomAD). The available evidence is insufficient to determine the role of this variant in disease conclusively. Therefore, this variant is classified as a Variant of Uncertain Significance.

This study involves interpretation of variants in research participants for the purpose of population health screening. Participant phenotype was not available at the time of variant classification. Additional details can be found in publication PMID: 35346344, PMCID: PMC8962531

NM_016203.4(PRKAG2):c.69G>T (p.Lys23Asn)

Gene: PRKAG2 (protein kinase AMP-activated non-catalytic subunit gamma 2; minus strand). Cytogenetic location: 7q36.1.
Variant type: single nucleotide variant.
Coding change: c.69G>T on transcript NM_016203.4 (MANE Select); coding-DNA position 69, G replaced by T.
Protein change: p.Lys23Asn; replaces lysine 23 with asparagine.
Molecular consequence: missense variant.
Genome position (GRCh38, 1-based): chr7:151,876,552, C>A on the plus strand (G>T on the coding strand, the complement: PRKAG2 is on the minus strand). VCF-style: chr7-151876552-C-A. GRCh37 (hg19) VCF-style: chr7-151573637-C-A.
Other names: c.69G>T, p.Lys23Asn (NM_001407021.1, NM_001407022.1, NM_001407023.1 and 2 more transcripts); short protein forms K23N.
Identifiers: ClinVar variation 3069645 (VCV003069645.1), dbSNP rs2485879623, ClinGen allele CA370071932.
Genomic context (GRCh38, chr7:151,876,552, plus strand): 5'-AGTGCTGGGACTCACCGGAATGTGCACGCGCAGCGAACGCCTCTTCTGGCTGGCATTTTT[C>A]TTGCCGCCGCTCCCGCCGGGGCTGGAAACATCTTTTTTCTTCTTGGTGTCCATAACCGCG-3'
Protein context (NP_057287.2, residues 13-33): DVSSPGGSGG[Lys23Asn]KNASQKRRSL